The following is an entry in ClinVar:

ClinVar aggregate classification (germline): Pathogenic (1 of 4 stars; one submission).

Conditions:
LAMA2-related muscular dystrophy (LAMA2-RD). Also called: Laminin alpha 2-related dystrophy. Identifiers: MedGen C5679788, MONDO:0100228.

Submission:

Labcorp Genetics (formerly Invitae), Labcorp
Classification: Pathogenic for LAMA2-related muscular dystrophy. Last evaluated: 2022-03-23. Review status: criteria provided, single submitter. Criteria: Invitae Variant Classification Sherloc (09022015). Collection method: clinical testing. Allele origin: germline.
Comment: This sequence change creates a premature translational stop signal (p.Gln1666Cysfs*2) in the LAMA2 gene. It is expected to result in an absent or disrupted protein product. Loss-of-function variants in LAMA2 are known to be pathogenic (PMID: 18700894, 32904964). This variant is not present in population databases (gnomAD no frequency). This variant has not been reported in the literature in individuals affected with LAMA2-related conditions. Algorithms developed to predict the effect of sequence changes on RNA splicing suggest that this variant may disrupt the consensus splice site. For these reasons, this variant has been classified as Pathogenic.

Literature cited by the submitters: PubMed 18700894; PubMed 32904964.

NM_000426.4(LAMA2):c.4992_4996del (p.Gln1666fs)

Gene: LAMA2 (laminin subunit alpha 2; plus strand). Cytogenetic location: 6q22.33.
Variant type: Deletion.
Coding change: c.4992_4996del on transcript NM_000426.4 (MANE Select); coding-DNA positions 4992 to 4996, 5 bases deleted (CGGAC; older notation c.4992_4996delCGGAC).
Protein change: p.Gln1666fs; shifts the reading frame from glutamine 1666.
Molecular consequence: frameshift variant.
Genome position (GRCh38, 1-based): chr6:129,383,154-129,383,158, CGGAC deleted; deleting any 5 consecutive bases within chr6:129,383,151-129,383,158 gives the same sequence; the c. name uses the placement nearest the transcript's 3' end. VCF-style (leftmost placement, unchanged base first): chr6-129383150-AGACCG-A. GRCh37 (hg19) VCF-style: chr6-129704295-AGACCG-A.
Other names: c.4992_4996del, p.Gln1666fs (NM_001079823.2); short protein forms Q1666fs.
Identifiers: ClinVar variation 1965245 (VCV001965245.5), dbSNP rs2482690509, ClinGen allele CA2580075117.
Genomic context (GRCh38, chr6:129,383,150, plus strand): 5'-TAATTATGTGTTTCCCGAATTTGGATCATTAGGCTACCAAAGTGACAGCAGATGGCGAGC[AGACCG>A]GACAGGATGCTGAGAGGACCAACACAAGAGCAAAGTCCCTGGGAGAATTCATTAAGGAGC-3'